The following is an entry in ClinVar:

ClinVar aggregate classification (germline): Benign (1 of 4 stars; one submission).

Conditions:
Papillary renal cell carcinoma type 1 (RCCP1). Also called: RENAL CELL CARCINOMA, PAPILLARY, 1, SOMATIC; Renal adenocarcinoma; Renal cell carcinoma 1; Renal cell carcinoma, somatic. Identifiers: Orphanet 47044, MedGen C1336839, OMIM 605074, HP:0011797.

Allele frequency attached by ClinVar (database versions not stated): gnomAD 0.00003 and 0.00035; TOPMed 0.00009; gnomAD exomes 0.00095; 1000 Genomes Project 30x 0.00187; 1000 Genomes Project 0.00200.
gnomAD v4.1: 235 of 350,822 alleles (0.067%); highest among the groups gnomAD compares: South Asian, 0.96%; 6 homozygotes.

Submission:

Illumina Laboratory Services, Illumina
Classification: Benign for Papillary renal cell carcinoma type 1. Last evaluated: 2018-01-12. Review status: criteria provided, single submitter. Criteria: ICSL Variant Classification Criteria 13 December 2019. Collection method: clinical testing. Allele origin: germline.
Comment: This variant was observed in the ICSL laboratory as part of a predisposition screen in an ostensibly healthy population. It had not been previously curated by ICSL or reported in the Human Gene Mutation Database (HGMD: prior to June 1st, 2018), and was therefore a candidate for classification through an automated scoring system. Utilizing variant allele frequency, disease prevalence and penetrance estimates, and inheritance mode, an automated score was calculated to assess if this variant is too frequent to cause the disease. Based on the score and internal cut-off values, a variant classified as benign is not then subjected to further curation. The score for this variant resulted in a classification of benign for this disease.

NM_000245.4(MET):c.*397A>G

Gene: MET (MET proto-oncogene, receptor tyrosine kinase; plus strand). Cytogenetic location: 7q31.2.
Variant type: single nucleotide variant.
Coding change: c.*397A>G on transcript NM_000245.4 (MANE Select); 397 bases downstream of the stop codon, A replaced by G.
Molecular consequence: 3 prime UTR variant.
Genome position (GRCh38, 1-based): chr7:116,796,521, A>G. VCF-style: chr7-116796521-A-G. GRCh37 (hg19) VCF-style: chr7-116436575-A-G.
Other names: c.*397A>G (NM_001127500.3, NM_001324402.2).
Identifiers: ClinVar variation 910901 (VCV000910901.4), dbSNP rs559231345, ClinGen allele CA165451093.